The following is an entry in ClinVar:

NM_001060.6(TBXA2R):c.517C>T (p.Arg173Cys)

Gene: TBXA2R (thromboxane A2 receptor; minus strand). Cytogenetic location: 19p13.3.
Variant type: single nucleotide variant.
Coding change: c.517C>T on transcript NM_001060.6 (MANE Select); coding-DNA position 517, C replaced by T.
Protein change: p.Arg173Cys; replaces arginine 173 with cysteine.
Molecular consequence: missense variant.
Genome position (GRCh38, 1-based): chr19:3,600,118, G>A on the plus strand (C>T on the coding strand, the complement: TBXA2R is on the minus strand). VCF-style: chr19-3600118-G-A. GRCh37 (hg19) VCF-style: chr19-3600116-G-A.
Other names: c.517C>T, p.Arg173Cys (NM_201636.3); short protein forms R173C.
Identifiers: ClinVar variation 3671858 (VCV003671858.2).

ClinVar aggregate classification (germline): Uncertain significance (1 of 4 stars; one submission).

gnomAD v4.1: 3 of 1,611,436 alleles (0.00019%); highest among the groups gnomAD compares: Admixed American, 0.0017%; no homozygotes.

Submission:

Labcorp Genetics (formerly Invitae), Labcorp
Classification: Uncertain significance. Last evaluated: 2024-06-20. Review status: criteria provided, single submitter. Criteria: Invitae Variant Classification Sherloc (09022015). Collection method: clinical testing. Allele origin: germline.
Comment: This sequence change replaces arginine, which is basic and polar, with cysteine, which is neutral and slightly polar, at codon 173 of the TBXA2R protein (p.Arg173Cys). This variant is present in population databases (rs771836447, gnomAD 0.003%). This variant has not been reported in the literature in individuals affected with TBXA2R-related conditions. Advanced modeling of protein sequence and biophysical properties (such as structural, functional, and spatial information, amino acid conservation, physicochemical variation, residue mobility, and thermodynamic stability) performed at Invitae indicates that this missense variant is expected to disrupt TBXA2R protein function with a positive predictive value of 80%. In summary, the available evidence is currently insufficient to determine the role of this variant in disease. Therefore, it has been classified as a Variant of Uncertain Significance.